The following is an entry in ClinVar:

NM_012144.4(DNAI1):c.1397T>G (p.Val466Gly)

Gene: DNAI1 (dynein axonemal intermediate chain 1; plus strand). Cytogenetic location: 9p13.3.
Variant type: single nucleotide variant.
Coding change: c.1397T>G on transcript NM_012144.4 (MANE Select); coding-DNA position 1397, T replaced by G.
Protein change: p.Val466Gly; replaces valine 466 with glycine.
Molecular consequence: missense variant.
Genome position (GRCh38, 1-based): chr9:34,512,194, T>G. VCF-style: chr9-34512194-T-G. GRCh37 (hg19) VCF-style: chr9-34512192-T-G.
Other names: c.1409T>G, p.Val470Gly (NM_001281428.2); short protein forms V470G, V466G.
Identifiers: ClinVar variation 3671025 (VCV003671025.2).

ClinVar aggregate classification (germline): Uncertain significance (1 of 4 stars; one submission).

Conditions:
Primary ciliary dyskinesia. Also called: Ciliary dyskinesia. Identifiers: Orphanet 244, MedGen C0008780, MONDO:0016575, HP:0012265.

Submission:

Labcorp Genetics (formerly Invitae), Labcorp
Classification: Uncertain significance for Primary ciliary dyskinesia. Last evaluated: 2024-02-20. Review status: criteria provided, single submitter. Criteria: Invitae Variant Classification Sherloc (09022015). Collection method: clinical testing. Allele origin: germline.
Comment: This sequence change replaces valine, which is neutral and non-polar, with glycine, which is neutral and non-polar, at codon 466 of the DNAI1 protein (p.Val466Gly). This variant is not present in population databases (gnomAD no frequency). This variant has not been reported in the literature in individuals affected with DNAI1-related conditions. Advanced modeling of protein sequence and biophysical properties (such as structural, functional, and spatial information, amino acid conservation, physicochemical variation, residue mobility, and thermodynamic stability) has been performed at Invitae for this missense variant, however the output from this modeling did not meet the statistical confidence thresholds required to predict the impact of this variant on DNAI1 protein function. In summary, the available evidence is currently insufficient to determine the role of this variant in disease. Therefore, it has been classified as a Variant of Uncertain Significance.